The following is an entry in ClinVar:

NM_020338.4(ZMIZ1):c.2179G>A (p.Gly727Arg)

Gene: ZMIZ1 (zinc finger MIZ-type containing 1; plus strand). Cytogenetic location: 10q22.3.
Variant type: single nucleotide variant.
Coding change: c.2179G>A on transcript NM_020338.4 (MANE Select); coding-DNA position 2179, G replaced by A.
Protein change: p.Gly727Arg; replaces glycine 727 with arginine.
Molecular consequence: missense variant.
Genome position (GRCh38, 1-based): chr10:79,304,068, G>A. VCF-style: chr10-79304068-G-A. GRCh37 (hg19) VCF-style: chr10-81063825-G-A.
Other names: short protein forms G727R.
Identifiers: ClinVar variation 2621154 (VCV002621154.4), dbSNP rs1170454309, ClinGen allele CA377341316.

ClinVar aggregate classification (germline): Uncertain significance. Review status: criteria provided, multiple submitters, no conflicts (2 of 4 stars). 2 submissions from 2 submitters: Uncertain significance (2). Last evaluated 2024-07-19.

Conditions:
Inborn genetic diseases. Identifiers: MedGen C0950123, MeSH D030342.

Allele frequency attached by ClinVar (database versions not stated): TOPMed below 0.00001; gnomAD 0.00001; gnomAD exomes 0.00001.
gnomAD v4.1: 17 of 1,614,090 alleles (0.0011%); highest among the groups gnomAD compares: African/African-American, 0.0013%; no homozygotes.

Submissions (2):

Labcorp Genetics (formerly Invitae), Labcorp
Classification: Uncertain significance. Last evaluated: 2024-07-19. Review status: criteria provided, single submitter. Criteria: Invitae Variant Classification Sherloc (09022015). Collection method: clinical testing. Allele origin: germline.
Comment: This sequence change replaces glycine, which is neutral and non-polar, with arginine, which is basic and polar, at codon 727 of the ZMIZ1 protein (p.Gly727Arg). This variant is present in population databases (no rsID available, gnomAD 0.004%). This variant has not been reported in the literature in individuals affected with ZMIZ1-related conditions. ClinVar contains an entry for this variant (Variation ID: 2621154). Advanced modeling of protein sequence and biophysical properties (such as structural, functional, and spatial information, amino acid conservation, physicochemical variation, residue mobility, and thermodynamic stability) performed at Invitae indicates that this missense variant is expected to disrupt ZMIZ1 protein function with a positive predictive value of 80%. In summary, the available evidence is currently insufficient to determine the role of this variant in disease. Therefore, it has been classified as a Variant of Uncertain Significance.

Ambry Genetics
Classification: Uncertain significance for Inborn genetic diseases. Last evaluated: 2023-08-22. Review status: criteria provided, single submitter. Criteria: Ambry Variant Classification Scheme 2023. Collection method: clinical testing. Allele origin: germline.